The following is an entry in ClinVar:

NM_002471.4(MYH6):c.1726G>T (p.Ala576Ser)

Gene: MYH6 (myosin heavy chain 6; minus strand). Cytogenetic location: 14q11.2.
Variant type: single nucleotide variant.
Coding change: c.1726G>T on transcript NM_002471.4 (MANE Select); coding-DNA position 1726, G replaced by T.
Protein change: p.Ala576Ser; replaces alanine 576 with serine.
Molecular consequence: missense variant.
Genome position (GRCh38, 1-based): chr14:23,398,893, C>A on the plus strand (G>T on the coding strand, the complement: MYH6 is on the minus strand). VCF-style: chr14-23398893-C-A. GRCh37 (hg19) VCF-style: chr14-23868102-C-A.
Other names: short protein forms A576S.
Identifiers: ClinVar variation 3222325 (VCV003222325.1), dbSNP rs1488705293, ClinGen allele CA389020472.

ClinVar aggregate classification (germline): Uncertain significance (1 of 4 stars; one submission).

Conditions:
Cardiovascular phenotype. Identifiers: MedGen CN230736.

Submission:

Ambry Genetics
Classification: Uncertain significance for Cardiovascular phenotype. Last evaluated: 2023-09-30. Review status: criteria provided, single submitter. Criteria: Ambry Variant Classification Scheme 2023. Collection method: clinical testing. Allele origin: germline.
Comment: The p.A576S variant (also known as c.1726G>T), located in coding exon 13 of the MYH6 gene, results from a G to T substitution at nucleotide position 1726. The alanine at codon 576 is replaced by serine, an amino acid with similar properties. This amino acid position is conserved. In addition, the in silico prediction for this alteration is inconclusive. Since supporting evidence is limited at this time, the clinical significance of this alteration remains unclear.